The following is an entry in ClinVar:

NM_032043.3(BRIP1):c.2298T>C (p.Ser766=)

Gene: BRIP1 (BRCA1 interacting DNA helicase 1; minus strand). Cytogenetic location: 17q23.2.
Variant type: single nucleotide variant.
Coding change: c.2298T>C on transcript NM_032043.3 (MANE Select); coding-DNA position 2298, T replaced by C.
Protein change: p.Ser766=; no amino-acid change (serine 766 retained).
Molecular consequence: synonymous variant.
Genome position (GRCh38, 1-based): chr17:61,743,094, A>G on the plus strand (T>C on the coding strand, the complement: BRIP1 is on the minus strand). VCF-style: chr17-61743094-A-G. GRCh37 (hg19) VCF-style: chr17-59820455-A-G.
Identifiers: ClinVar variation 821048 (VCV000821048.14), dbSNP rs1603303851, ClinGen allele CA501151119.

ClinVar aggregate classification (germline): Benign/Likely benign. Review status: criteria provided, multiple submitters, no conflicts (2 of 4 stars). 3 submissions from 3 submitters: Benign (1); Likely benign (2). Last evaluated 2024-09-04.

Conditions:
Hereditary cancer-predisposing syndrome. Also called: Hereditary Cancer Syndrome; Neoplastic Syndromes, Hereditary; Hereditary neoplastic syndrome; Tumor predisposition. Identifiers: Orphanet 140162, MedGen C0027672, MeSH D009386, MONDO:0015356.
Familial cancer of breast. Also called: Hereditary breast cancer; hereditary breast carcinoma; BREAST CANCER, FAMILIAL. Identifiers: Orphanet 227535, MedGen C0346153, MONDO:0016419, OMIM 114480. Disease mechanism: loss of function.
Fanconi anemia complementation group J. Also called: BRIP1-Related Fanconi Anemia. Identifiers: Orphanet 84, MedGen C1836860, MONDO:0012187, OMIM 609054.

Submissions (3):

Myriad Genetics, Inc.
Classification: Benign for Familial cancer of breast. Last evaluated: 2024-09-04. Review status: criteria provided, single submitter. Criteria: Myriad Autosomal Dominant, Autosomal Recessive and X-Linked Classification Criteria (2023). Collection method: clinical testing. Allele origin: unknown.
Comment: This variant is considered benign. This variant is a silent/synonymous amino acid change and it is not expected to impact splicing.

Labcorp Genetics (formerly Invitae), Labcorp
Classification: Likely benign for Familial cancer of breast; Fanconi anemia complementation group J. Last evaluated: 2021-09-15. Review status: criteria provided, single submitter. Criteria: Invitae Variant Classification Sherloc (09022015). Collection method: clinical testing. Allele origin: germline.

Ambry Genetics
Classification: Likely benign for Hereditary cancer-predisposing syndrome. Last evaluated: 2019-03-06. Review status: criteria provided, single submitter. Criteria: Ambry Variant Classification Scheme 2023. Collection method: clinical testing. Allele origin: germline.